The following is an entry in ClinVar:

NM_001369.3(DNAH5):c.13414G>A (p.Val4472Ile)

Gene: DNAH5 (dynein axonemal heavy chain 5; minus strand). Cytogenetic location: 5p15.2.
Variant type: single nucleotide variant.
Coding change: c.13414G>A on transcript NM_001369.3 (MANE Select); coding-DNA position 13414, G replaced by A.
Protein change: p.Val4472Ile; replaces valine 4472 with isoleucine.
Molecular consequence: missense variant.
Genome position (GRCh38, 1-based): chr5:13,701,361, C>T on the plus strand (G>A on the coding strand, the complement: DNAH5 is on the minus strand). VCF-style: chr5-13701361-C-T. GRCh37 (hg19) VCF-style: chr5-13701470-C-T.
Other names: short protein forms V4472I.
Identifiers: ClinVar variation 3616851 (VCV003616851.2).

ClinVar aggregate classification (germline): Uncertain significance (1 of 4 stars; one submission).

Conditions:
Primary ciliary dyskinesia. Also called: Ciliary dyskinesia. Identifiers: Orphanet 244, MedGen C0008780, MONDO:0016575, HP:0012265.

Submission:

Labcorp Genetics (formerly Invitae), Labcorp
Classification: Uncertain significance for Primary ciliary dyskinesia. Last evaluated: 2025-06-04. Review status: criteria provided, single submitter. Criteria: Invitae Variant Classification Sherloc (09022015). Collection method: clinical testing. Allele origin: germline.
Comment: This sequence change replaces valine, which is neutral and non-polar, with isoleucine, which is neutral and non-polar, at codon 4472 of the DNAH5 protein (p.Val4472Ile). This variant is not present in population databases (gnomAD no frequency). This variant has not been reported in the literature in individuals affected with DNAH5-related conditions. ClinVar contains an entry for this variant (Variation ID: 3616851). Invitae Evidence Modeling of protein sequence and biophysical properties (such as structural, functional, and spatial information, amino acid conservation, physicochemical variation, residue mobility, and thermodynamic stability) indicates that this missense variant is not expected to disrupt DNAH5 protein function with a negative predictive value of 95%. In summary, the available evidence is currently insufficient to determine the role of this variant in disease. Therefore, it has been classified as a Variant of Uncertain Significance.